The following is an entry in ClinVar:

ClinVar aggregate classification (germline): Pathogenic. Review status: criteria provided, single submitter (1 of 4 stars). 2 submissions from 2 submitters: Pathogenic (1). 1 of the submissions does not count toward it. Last evaluated 2020-08-03.

Conditions:
Dystonia 5 (DRD). Also called: GTP Cyclohydrolase 1-Deficient Dopa-Responsive Dystonia; DYT-GCH1; DYSTONIA, PROGRESSIVE, WITH DIURNAL VARIATION; DYSTONIA-PARKINSONISM WITH DIURNAL FLUCTUATION; Dystonia, DOPA-responsive, with or without hyperphenylalaninemia. Identifiers: Orphanet 98808, MedGen C1851920, MONDO:0007495, OMIM 128230.
GTP cyclohydrolase I deficiency. Identifiers: MedGen C0268467, MONDO:0100184.

Submissions (2):

Labcorp Genetics (formerly Invitae), Labcorp
Classification: Pathogenic for GTP cyclohydrolase I deficiency; Dystonia 5. Last evaluated: 2020-08-03. Review status: criteria provided, single submitter. Criteria: Invitae Variant Classification Sherloc (09022015). Collection method: clinical testing. Allele origin: germline.
Comment: For these reasons, this variant has been classified as Pathogenic. Loss-of-function variants in GCH1 are known to be pathogenic (PMID: 19491146). This variant has been observed in individual(s) with autosomal dominant dystonia (PMID: 31213404, 11359069). ClinVar contains an entry for this variant (Variation ID: 9288). This variant is not present in population databases (ExAC no frequency). This sequence change creates a premature translational stop signal (p.Gln48*) in the GCH1 gene. It is expected to result in an absent or disrupted protein product.

OMIM
Classification: Pathogenic for DYSTONIA, DOPA-RESPONSIVE. Last evaluated: 2001-01-01. Review status: no assertion criteria provided. Collection method: literature only. Allele origin: germline. Not counted in ClinVar's aggregate classification.

Literature cited by the submitters: PubMed 19491146 (cited by Labcorp Genetics (formerly Invitae), Labcorp); PubMed 31213404 (cited by Labcorp Genetics (formerly Invitae), Labcorp); PubMed 11359069 (cited by Labcorp Genetics (formerly Invitae), Labcorp and OMIM).

NM_000161.3(GCH1):c.142C>T (p.Gln48Ter)

Gene: GCH1 (GTP cyclohydrolase 1; minus strand). Cytogenetic location: 14q22.2.
Variant type: single nucleotide variant.
Coding change: c.142C>T on transcript NM_000161.3 (MANE Select); coding-DNA position 142, C replaced by T.
Protein change: p.Gln48Ter; replaces glutamine 48 with a stop codon.
Molecular consequence: nonsense.
Genome position (GRCh38, 1-based): chr14:54,902,522, G>A on the plus strand (C>T on the coding strand, the complement: GCH1 is on the minus strand). VCF-style: chr14-54902522-G-A. GRCh37 (hg19) VCF-style: chr14-55369240-G-A.
Other names: c.142C>T, p.Gln48Ter (NM_001024024.2, NM_001024070.2, NM_001024071.2); short protein forms Q48*.
Identifiers: ClinVar variation 9288 (VCV000009288.9), dbSNP rs104894444, ClinGen allele CA254727.
Genomic context (GRCh38, chr14:54,902,522, plus strand): 5'-GGTTCAGCTCGTTATCCTCCTCGCTGCGGGGCCGCTCGCCCTTCCAGCCGTCCGCGGGCT[G>A]CGCGCTCTTGGCCTCGGGCCGCGGGGGCTTCTCCGCCGGCCTGCTGGGCCCGGGCCGCGG-3'